The following is an entry in ClinVar:

NM_014423.4(AFF4):c.73G>A (p.Glu25Lys)

Gene: AFF4 (ALF transcription elongation factor 4; minus strand). Cytogenetic location: 5q31.1.
Variant type: single nucleotide variant.
Coding change: c.73G>A on transcript NM_014423.4 (MANE Select); coding-DNA position 73, G replaced by A.
Protein change: p.Glu25Lys; replaces glutamic acid 25 with lysine.
Molecular consequence: missense variant.
Genome position (GRCh38, 1-based): chr5:132,937,117, C>T on the plus strand (G>A on the coding strand, the complement: AFF4 is on the minus strand). VCF-style: chr5-132937117-C-T. GRCh37 (hg19) VCF-style: chr5-132272809-C-T.
Other names: c.73G>A (NM_014423.3); short protein forms E25K.
Identifiers: ClinVar variation 2910613 (VCV002910613.3), dbSNP rs200813877, ClinGen allele CA3409521.
Genomic context (GRCh38, chr5:132,937,117, plus strand): 5'-GGCAACTTACAACTTTGTATGGCTCTGCAAAGAGAGGAGAGCTAGGTGGGAAGGCGTCTT[C>T]GCCCTGCTGAATTTCCTGATTCCGCCTTTCCCGTTCTTTCATACGCAGCACATTCCGGTC-3'
Protein context (NP_055238.1, residues 15-35): ERRNQEIQQG[Glu25Lys]DAFPPSSPLF

ClinVar aggregate classification (germline): Conflicting classifications of pathogenicity. Review status: criteria provided, conflicting classifications (1 of 4 stars). 2 submissions from 2 submitters: Uncertain significance (1); Likely benign (1). Last evaluated 2025-06-24.

Conditions:
Cognitive impairment - coarse facies - heart defects - obesity - pulmonary involvement - short stature - skeletal dysplasia syndrome. Also called: AFF4-Related CHOPS Syndrome; COGNITIVE IMPAIRMENT, COARSE FACIES, HEART DEFECTS, OBESITY, PULMONARY INVOLVEMENT, SHORT STATURE, AND SKELETAL DYSPLASIA; Chops syndrome. Identifiers: Orphanet 444077, MedGen C4085597, MONDO:0014609, OMIM 616368.
Inborn genetic diseases. Identifiers: MedGen C0950123, MeSH D030342.

Allele frequency attached by ClinVar (database versions not stated): ExAC 0.00002; gnomAD exomes 0.00004; TOPMed 0.00004; gnomAD 0.00005.
gnomAD v4.1: 74 of 1,613,844 alleles (0.0046%); highest among the groups gnomAD compares: Admixed American, 0.01%; no homozygotes.

Submissions (2):

Ambry Genetics
Classification: Likely benign for Inborn genetic diseases. Last evaluated: 2025-06-24. Review status: criteria provided, single submitter. Criteria: Ambry Variant Classification Scheme 2023. Collection method: clinical testing. Allele origin: germline.

Labcorp Genetics (formerly Invitae), Labcorp
Classification: Uncertain significance for Cognitive impairment - coarse facies - heart defects - obesity - pulmonary involvement - short stature - skeletal dysplasia syndrome. Last evaluated: 2024-08-21. Review status: criteria provided, single submitter. Criteria: Invitae Variant Classification Sherloc (09022015). Collection method: clinical testing. Allele origin: germline.
Comment: This sequence change replaces glutamic acid, which is acidic and polar, with lysine, which is basic and polar, at codon 25 of the AFF4 protein (p.Glu25Lys). This variant is present in population databases (rs200813877, gnomAD 0.01%). This variant has not been reported in the literature in individuals affected with AFF4-related conditions. Invitae Evidence Modeling of protein sequence and biophysical properties (such as structural, functional, and spatial information, amino acid conservation, physicochemical variation, residue mobility, and thermodynamic stability) indicates that this missense variant is not expected to disrupt AFF4 protein function with a negative predictive value of 80%. In summary, the available evidence is currently insufficient to determine the role of this variant in disease. Therefore, it has been classified as a Variant of Uncertain Significance.